The following is an entry in ClinVar:

ClinVar aggregate classification (germline): Uncertain significance (1 of 4 stars; one submission).

Allele frequency attached by ClinVar (database versions not stated): TOPMed below 0.00001.

Submission:

Labcorp Genetics (formerly Invitae), Labcorp
Classification: Uncertain significance. Last evaluated: 2025-02-10. Review status: criteria provided, single submitter. Criteria: Invitae Variant Classification Sherloc (09022015). Collection method: clinical testing. Allele origin: germline.
Comment: This sequence change replaces methionine, which is neutral and non-polar, with valine, which is neutral and non-polar, at codon 487 of the POLE protein (p.Met487Val). This variant is not present in population databases (gnomAD no frequency). This variant has not been reported in the literature in individuals affected with POLE-related conditions. ClinVar contains an entry for this variant (Variation ID: 954587). Invitae Evidence Modeling of protein sequence and biophysical properties (such as structural, functional, and spatial information, amino acid conservation, physicochemical variation, residue mobility, and thermodynamic stability) indicates that this missense variant is expected to disrupt POLE protein function with a positive predictive value of 80%. In summary, the available evidence is currently insufficient to determine the role of this variant in disease. Therefore, it has been classified as a Variant of Uncertain Significance.

NM_006231.4(POLE):c.1459A>G (p.Met487Val)

Gene: POLE (DNA polymerase epsilon, catalytic subunit; minus strand). Cytogenetic location: 12q24.33.
Variant type: single nucleotide variant.
Coding change: c.1459A>G on transcript NM_006231.4 (MANE Select); coding-DNA position 1459, A replaced by G.
Protein change: p.Met487Val; replaces methionine 487 with valine.
Molecular consequence: missense variant.
Genome position (GRCh38, 1-based): chr12:132,673,178, T>C on the plus strand (A>G on the coding strand, the complement: POLE is on the minus strand). VCF-style: chr12-132673178-T-C. GRCh37 (hg19) VCF-style: chr12-133249764-T-C.
Other names: short protein forms M487V.
Identifiers: ClinVar variation 954587 (VCV000954587.9), dbSNP rs1164814923, ClinGen allele CA387358113.